The following is an entry in ClinVar:

NM_000538.4(RFXAP):c.188del (p.Gly63fs)

Gene: RFXAP (regulatory factor X associated protein; plus strand). Cytogenetic location: 13q13.3.
Variant type: Deletion.
Coding change: c.188del on transcript NM_000538.4 (MANE Select); coding-DNA position 188, one base deleted (G; older notation c.188delG).
Protein change: p.Gly63fs; shifts the reading frame from glycine 63.
Molecular consequence: frameshift variant.
Genome position (GRCh38, 1-based): chr13:36,819,545, G deleted; the last of 5 consecutive G bases (chr13:36,819,541-36,819,545); deleting any one gives the same sequence. VCF-style (leftmost placement, unchanged base first): chr13-36819540-CG-C. GRCh37 (hg19) VCF-style: chr13-37393677-CG-C.
Other names: short protein forms G63fs.
Identifiers: ClinVar variation 1068569 (VCV001068569.7), dbSNP rs1388967331, ClinGen allele CA609452340.

ClinVar aggregate classification (germline): Pathogenic (1 of 4 stars; one submission).

Conditions:
MHC class II deficiency. Also called: BLS, TYPE II; Bare lymphocyte syndrome 2. Identifiers: Orphanet 572, MedGen C5447452, MONDO:0008855.

Submission:

Labcorp Genetics (formerly Invitae), Labcorp
Classification: Pathogenic for MHC class II deficiency. Last evaluated: 2020-07-26. Review status: criteria provided, single submitter. Criteria: Invitae Variant Classification Sherloc (09022015). Collection method: clinical testing. Allele origin: germline.
Comment: For these reasons, this variant has been classified as Pathogenic. Loss-of-function variants in RFXAP are known to be pathogenic (PMID: 9118943, 22390233). This variant has not been reported in the literature in individuals with RFXAP-related conditions. The frequency data for this variant in the population databases is considered unreliable, as metrics indicate insufficient coverage at this position in the ExAC database. This sequence change creates a premature translational stop signal (p.Gly63Alafs*31) in the RFXAP gene. It is expected to result in an absent or disrupted protein product.

Literature cited by the submitters: PubMed 9118943; PubMed 22390233.